The following is an entry in ClinVar:

NM_002317.7(LOX):c.204C>T (p.Arg68=)

Genes: LOX (lysyl oxidase; minus strand), SRFBP1 (serum response factor binding protein 1; plus strand). Cytogenetic location: 5q23.1.
Variant type: single nucleotide variant.
Coding change: c.204C>T on transcript NM_002317.7 (MANE Select); coding-DNA position 204, C replaced by T.
Protein change: p.Arg68=; no amino-acid change (arginine 68 retained).
Molecular consequence: synonymous variant.
Genome position (GRCh38, 1-based): chr5:122,077,782, G>A on the plus strand (C>T on the coding strand, the complement: LOX is on the minus strand). VCF-style: chr5-122077782-G-A. GRCh37 (hg19) VCF-style: chr5-121413477-G-A.
Other names: p.Arg68=.
Identifiers: ClinVar variation 785135 (VCV000785135.38), dbSNP rs201057539, ClinGen allele CA3384105.
Genomic context (GRCh38, chr5:122,077,782, plus strand): 5'-GCGGGGCTGCTGGGCGGAGGCGTTGGCTGCACCAGGGACGGCGGCGCCCGGGTCCCGGCG[G>A]CGCTGAGGCTGGTACTGTGAGCCCAGGCTCAGCAAGCTGAACACCTGCCCGTTGTTCTCC-3'
Protein context (NP_002308.2, residues 58-78): LSLGSQYQPQ[Arg68=]RRDPGAAVPG

ClinVar aggregate classification (germline): Benign/Likely benign. Review status: criteria provided, multiple submitters, no conflicts (2 of 4 stars). 9 submissions from 9 submitters: Benign (4); Likely benign (5). Last evaluated 2026-01-28.

Conditions:
Aortic aneurysm, familial thoracic 10 (AAT10). Identifiers: MedGen C4284414, MONDO:0014950, OMIM 617168.
Cardiovascular phenotype. Identifiers: MedGen CN230736.

Allele frequency attached by ClinVar (database versions not stated): gnomAD exomes 0.00025 and 0.00059; ExAC 0.00129; 1000 Genomes Project 30x 0.00203; 1000 Genomes Project 0.00220; ESP Exome Variant Server 0.00220; gnomAD 0.00275 and 0.00294; TOPMed 0.00310.
gnomAD v4.1: 785 of 1,548,990 alleles (0.051%); highest among the groups gnomAD compares: African/African-American, 0.95%; 2 homozygotes.

Submissions (9):

Labcorp Genetics (formerly Invitae), Labcorp
Classification: Benign. Last evaluated: 2026-01-28. Review status: criteria provided, single submitter. Criteria: Invitae Variant Classification Sherloc (09022015). Collection method: clinical testing. Allele origin: germline.

ARUP Laboratories, Molecular Genetics and Genomics, ARUP Laboratories
Classification: Benign for Aortic aneurysm, familial thoracic 10. Last evaluated: 2025-03-26. Review status: criteria provided, single submitter. Criteria: ARUP Molecular Germline Variant Investigation Process 2024. Collection method: clinical testing. Allele origin: germline.

Blueprint Genetics
Classification: Likely benign. Last evaluated: 2024-09-16. Review status: criteria provided, single submitter. Criteria: ACMG Guidelines, 2015. Collection method: clinical testing. Allele origin: germline.

CeGaT Center for Human Genetics Tuebingen
Classification: Likely benign. Last evaluated: 2024-09-01. Review status: criteria provided, single submitter. Criteria: CeGaT Center For Human Genetics Tuebingen Variant Classification Criteria Version 2. Collection method: clinical testing. Allele origin: germline. Affected: yes. Observed: 1 variant allele.
Comment: LOX: BP4, BP7

Women's Health and Genetics/Laboratory Corporation of America, LabCorp
Classification: Benign. Last evaluated: 2023-08-24. Review status: criteria provided, single submitter. Criteria: LabCorp Variant Classification Summary - May 2015. Collection method: clinical testing. Allele origin: germline.

Mayo Clinic Laboratories, Mayo Clinic
Classification: Benign. Last evaluated: 2023-08-15. Review status: criteria provided, single submitter. Criteria: ACMG Guidelines, 2015. Collection method: clinical testing. Allele origin: germline. Observed: 2 variant alleles.
Comment: BS1, BS2, BP4, BP7

GeneDx
Classification: Likely benign. Last evaluated: 2021-04-22. Review status: criteria provided, single submitter. Criteria: GeneDx Variant Classification Process June 2021. Collection method: clinical testing. Allele origin: germline. Affected: yes.

Ambry Genetics
Classification: Likely benign for Cardiovascular phenotype. Last evaluated: 2019-08-06. Review status: criteria provided, single submitter. Criteria: Ambry Variant Classification Scheme 2023. Collection method: clinical testing. Allele origin: germline.

Breakthrough Genomics
Classification: Likely benign. Review status: criteria provided, single submitter. Criteria: ACMG Guidelines, 2015. Collection method: not provided. Allele origin: germline. Inheritance: Autosomal dominant inheritance. Affected: yes.